The following is an entry in ClinVar:

ClinVar aggregate classification (germline): Uncertain significance. Review status: criteria provided, multiple submitters, no conflicts (2 of 4 stars). 2 submissions from 2 submitters: Uncertain significance (2). Last evaluated 2023-12-22.

Conditions:
Achondrogenesis, type IA (ACG1A). Identifiers: Orphanet 932, Orphanet 93299, MedGen C0265273, MONDO:0008701, OMIM 200600.
Inborn genetic diseases. Identifiers: MedGen C0950123, MeSH D030342.

Allele frequency attached by ClinVar (database versions not stated): gnomAD exomes 0.00007 and 0.00010; ESP Exome Variant Server 0.00008; gnomAD 0.00011; ExAC 0.00012; 1000 Genomes Project 0.00020; TOPMed 0.00026; 1000 Genomes Project 30x 0.00031.
gnomAD v4.1: 113 of 1,614,026 alleles (0.007%); highest among the groups gnomAD compares: Admixed American, 0.023%; no homozygotes.

Submissions (2):

Ambry Genetics
Classification: Uncertain significance for Inborn genetic diseases. Last evaluated: 2023-12-22. Review status: criteria provided, single submitter. Criteria: Ambry Variant Classification Scheme 2023. Collection method: clinical testing. Allele origin: germline.

Labcorp Genetics (formerly Invitae), Labcorp
Classification: Uncertain significance for Achondrogenesis, type IA. Last evaluated: 2022-10-17. Review status: criteria provided, single submitter. Criteria: Invitae Variant Classification Sherloc (09022015). Collection method: clinical testing. Allele origin: germline.
Comment: This sequence change replaces alanine, which is neutral and non-polar, with valine, which is neutral and non-polar, at codon 1656 of the TRIP11 protein (p.Ala1656Val). This variant is present in population databases (rs143594637, gnomAD 0.02%). This variant has not been reported in the literature in individuals affected with TRIP11-related conditions. ClinVar contains an entry for this variant (Variation ID: 841379). Advanced modeling of protein sequence and biophysical properties (such as structural, functional, and spatial information, amino acid conservation, physicochemical variation, residue mobility, and thermodynamic stability) performed at Invitae indicates that this missense variant is not expected to disrupt TRIP11 protein function. In summary, the available evidence is currently insufficient to determine the role of this variant in disease. Therefore, it has been classified as a Variant of Uncertain Significance.

NM_004239.4(TRIP11):c.4967C>T (p.Ala1656Val)

Gene: TRIP11 (thyroid hormone receptor interactor 11; minus strand). Cytogenetic location: 14q32.12.
Variant type: single nucleotide variant.
Coding change: c.4967C>T on transcript NM_004239.4 (MANE Select); coding-DNA position 4967, C replaced by T.
Protein change: p.Ala1656Val; replaces alanine 1656 with valine.
Molecular consequence: missense variant.
Genome position (GRCh38, 1-based): chr14:91,995,441, G>A on the plus strand (C>T on the coding strand, the complement: TRIP11 is on the minus strand). VCF-style: chr14-91995441-G-A. GRCh37 (hg19) VCF-style: chr14-92461785-G-A.
Other names: c.4967C>T (NM_004239.3); c.4964C>T, p.Ala1655Val (NM_001321851.1); short protein forms A1656V, A1655V.
Identifiers: ClinVar variation 841379 (VCV000841379.6), dbSNP rs143594637, ClinGen allele CA7313328.